The following is an entry in ClinVar:

NM_001330588.2(TPP2):c.340A>T (p.Ile114Leu)

Gene: TPP2 (tripeptidyl peptidase 2; plus strand). Cytogenetic location: 13q33.1.
Variant type: single nucleotide variant.
Coding change: c.340A>T on transcript NM_001330588.2 (MANE Select); coding-DNA position 340, A replaced by T.
Protein change: p.Ile114Leu; replaces isoleucine 114 with leucine.
Molecular consequence: missense variant. On other transcripts: non-coding transcript variant (1).
Genome position (GRCh38, 1-based): chr13:102,614,146, A>T. VCF-style: chr13-102614146-A-T. GRCh37 (hg19) VCF-style: chr13-103266496-A-T.
Other names: c.340A>T, p.Ile114Leu (NM_001367947.1, NM_003291.4); short protein forms I114L.
Identifiers: ClinVar variation 4724099 (VCV004724099.1).

ClinVar aggregate classification (germline): Uncertain significance (1 of 4 stars; one submission).

Conditions:
Evans syndrome, immunodeficiency, and premature immunosenescence associated with tripeptidyl-peptidase II deficiency. Identifiers: MedGen CN231723. Disease mechanism: loss of function.

Submission:

Labcorp Genetics (formerly Invitae), Labcorp
Classification: Uncertain significance for Evans syndrome, immunodeficiency, and premature immunosenescence associated with tripeptidyl-peptidase II deficiency. Last evaluated: 2025-07-27. Review status: criteria provided, single submitter. Criteria: Invitae Variant Classification Sherloc (09022015). Collection method: clinical testing. Allele origin: germline.
Comment: This sequence change replaces isoleucine, which is neutral and non-polar, with leucine, which is neutral and non-polar, at codon 114 of the TPP2 protein (p.Ile114Leu). This variant is not present in population databases (gnomAD no frequency). This variant has not been reported in the literature in individuals affected with TPP2-related conditions. An algorithm developed to predict the effect of missense changes on protein structure and function (PolyPhen-2) suggests that this variant is likely to be tolerated. In summary, the available evidence is currently insufficient to determine the role of this variant in disease. Therefore, it has been classified as a Variant of Uncertain Significance.